The following is an entry in ClinVar:

NM_003551.3(NME5):c.556-8dup

Gene: NME5 (NME/NM23 family member 5; minus strand). Cytogenetic location: 5q31.2.
Variant type: Duplication.
Coding change: c.556-8dup on transcript NM_003551.3 (MANE Select); 8 bases into the intron before coding-DNA position 556, one base duplicated (T; older notation c.556-8dupT).
Molecular consequence: intron variant.
Genome position (GRCh38, 1-based): chr5:138,115,772, A duplicated on the plus strand (T on the coding strand, the reverse complement: NME5 is on the minus strand); the first of 11 consecutive A bases (chr5:138,115,772-138,115,782); duplicating any one gives the same sequence. VCF-style (leftmost placement, unchanged base first): chr5-138115771-G-GA. GRCh37 (hg19) VCF-style: chr5-137451460-G-GA.
Other names: c.556-8dupT (NM_003551.2).
Identifiers: ClinVar variation 4972141 (VCV004972141.2).

ClinVar aggregate classification (germline): Likely benign. Review status: criteria provided, multiple submitters, no conflicts (2 of 4 stars). 2 submissions from 2 submitters: Likely benign (2). Last evaluated 2025-05-20.

Conditions:
NME5-related condition.

Submissions (2):

PreventionGenetics, part of Exact Sciences
Classification: Likely benign for NME5-related condition. Last evaluated: 2025-05-20. Review status: criteria provided, single submitter. Criteria: ACMG Guidelines, 2015. Collection method: clinical testing. Allele origin: germline.
Comment: This variant is classified as likely benign based on ACMG/AMP sequence variant interpretation guidelines (Richards et al. 2015 PMID: 25741868, with internal and published modifications).

Blueprint Genetics
Classification: Likely benign. Last evaluated: 2024-11-26. Review status: criteria provided, single submitter. Criteria: ACMG Guidelines, 2015. Collection method: clinical testing. Allele origin: germline.